The following is an entry in ClinVar:

NM_000430.4(PAFAH1B1):c.1213A>C (p.Lys405Gln)

Gene: PAFAH1B1 (platelet activating factor acetylhydrolase 1b regulatory subunit 1; plus strand). Cytogenetic location: 17p13.3.
Variant type: single nucleotide variant.
Coding change: c.1213A>C on transcript NM_000430.4 (MANE Select); coding-DNA position 1213, A replaced by C.
Protein change: p.Lys405Gln; replaces lysine 405 with glutamine.
Molecular consequence: missense variant.
Genome position (GRCh38, 1-based): chr17:2,681,782, A>C. VCF-style: chr17-2681782-A-C. GRCh37 (hg19) VCF-style: chr17-2585076-A-C.
Other names: short protein forms K405Q.
Identifiers: ClinVar variation 3375684 (VCV003375684.1).

ClinVar aggregate classification (germline): Uncertain significance (1 of 4 stars; one submission).

Submission:

GeneDx
Classification: Uncertain significance. Last evaluated: 2024-05-10. Review status: criteria provided, single submitter. Criteria: GeneDx Variant Classification Process June 2021. Collection method: clinical testing. Allele origin: germline. Affected: yes.
Comment: Not observed at significant frequency in large population cohorts (gnomAD); In silico analysis supports that this missense variant has a deleterious effect on protein structure/function; Has not been previously published as pathogenic or benign to our knowledge